The following is an entry in ClinVar:

ClinVar aggregate classification (germline): Uncertain significance (1 of 4 stars; one submission).

Conditions:
Wilms tumor 1 (WT1). Also called: Wilms tumor, somatic. Identifiers: Orphanet 654, MedGen CN033288, MONDO:0008679, OMIM 194070.

Submission:

Labcorp Genetics (formerly Invitae), Labcorp
Classification: Uncertain significance for Wilms tumor 1. Last evaluated: 2022-11-09. Review status: criteria provided, single submitter. Criteria: Invitae Variant Classification Sherloc (09022015). Collection method: clinical testing. Allele origin: germline.
Comment: In summary, the available evidence is currently insufficient to determine the role of this variant in disease. Therefore, it has been classified as a Variant of Uncertain Significance. Algorithms developed to predict the effect of missense changes on protein structure and function (SIFT, PolyPhen-2, Align-GVGD) all suggest that this variant is likely to be tolerated. This variant has not been reported in the literature in individuals affected with GPC3-related conditions. This variant is not present in population databases (gnomAD no frequency). This sequence change replaces serine, which is neutral and polar, with phenylalanine, which is neutral and non-polar, at codon 560 of the GPC3 protein (p.Ser560Phe).

NM_004484.4(GPC3):c.1679C>T (p.Ser560Phe)

Gene: GPC3 (glypican 3; minus strand). Cytogenetic location: Xq26.2.
Variant type: single nucleotide variant.
Coding change: c.1679C>T on transcript NM_004484.4 (MANE Select); coding-DNA position 1679, C replaced by T.
Protein change: p.Ser560Phe; replaces serine 560 with phenylalanine.
Molecular consequence: missense variant.
Genome position (GRCh38, 1-based): chrX:133,536,188, G>A on the plus strand (C>T on the coding strand, the complement: GPC3 is on the minus strand). VCF-style: chrX-133536188-G-A. GRCh37 (hg19) VCF-style: chrX-132670216-G-A.
Other names: c.1748C>T, p.Ser583Phe (NM_001164617.2); c.1631C>T, p.Ser544Phe (NM_001164618.2); c.1517C>T, p.Ser506Phe (NM_001164619.2); short protein forms S560F, S583F, S506F, S544F.
Identifiers: ClinVar variation 3011320 (VCV003011320.3), dbSNP rs2520462903, ClinGen allele CA414702574.